The following is an entry in ClinVar:

ClinVar aggregate classification (germline): Uncertain significance (1 of 4 stars; one submission).

Submission:

CeGaT Center for Human Genetics Tuebingen
Classification: Uncertain significance. Last evaluated: 2022-08-01. Review status: criteria provided, single submitter. Criteria: CeGaT Center For Human Genetics Tuebingen Variant Classification Criteria Version 2. Collection method: clinical testing. Allele origin: germline. Affected: yes. Observed: 1 variant allele.
Comment: EEF1A2: PM2, PP2

NM_001958.5(EEF1A2):c.635A>G (p.Lys212Arg)

Gene: EEF1A2 (eukaryotic translation elongation factor 1 alpha 2; minus strand). Cytogenetic location: 20q13.33.
Variant type: single nucleotide variant.
Coding change: c.635A>G on transcript NM_001958.5 (MANE Select); coding-DNA position 635, A replaced by G.
Protein change: p.Lys212Arg; replaces lysine 212 with arginine.
Molecular consequence: missense variant.
Genome position (GRCh38, 1-based): chr20:63,493,274, T>C on the plus strand (A>G on the coding strand, the complement: EEF1A2 is on the minus strand). VCF-style: chr20-63493274-T-C. GRCh37 (hg19) VCF-style: chr20-62124627-T-C.
Other names: short protein forms K212R.
Identifiers: ClinVar variation 2652541 (VCV002652541.24), dbSNP rs2516781399, ClinGen allele CA409648882.
Genomic context (GRCh38, chr20:63,493,274, plus strand): 5'-AGGGCCTCCAGCAGGGACACGCCGCTTGCGTTGCCCTCCTTACGCTCCACCTTCCAGCCC[T>C]TGAACCACGGCATCTGGACCAAAGGGAGAAAATCAATCCGTTAAGAGACATTGGTGGCCT-3'
Protein context (NP_001949.1, residues 202-222): LEPSPNMPWF[Lys212Arg]GWKVERKEGN